The following is an entry in ClinVar:

NM_001385012.1(NBEA):c.8760T>G (p.Ile2920Met)

Gene: NBEA (neurobeachin; plus strand). Cytogenetic location: 13q13.3.
Variant type: single nucleotide variant.
Coding change: c.8760T>G on transcript NM_001385012.1 (MANE Select); coding-DNA position 8760, T replaced by G.
Protein change: p.Ile2920Met; replaces isoleucine 2920 with methionine.
Molecular consequence: missense variant.
Genome position (GRCh38, 1-based): chr13:35,668,466, T>G. VCF-style: chr13-35668466-T-G. GRCh37 (hg19) VCF-style: chr13-36242603-T-G.
Other names: c.2076T>G, p.Ile692Met (NM_001204197.3); c.8751T>G, p.Ile2917Met (NM_001379245.1); c.8697T>G, p.Ile2899Met (NM_015678.5); short protein forms I2899M, I2917M, I2920M, I692M.
Identifiers: ClinVar variation 992757 (VCV000992757.2), dbSNP rs763083629, ClinGen allele CA6948052.
Genomic context (GRCh38, chr13:35,668,466, plus strand): 5'-CGGAGGGGACAATGGGGTAGTAGAGGTCTGGCAGGCCTGTGACTTCAAGCAACTGTACAT[T>G]TACCCTGGATGTGATGCTGGCATTAGAGCAATGGACTTGTCCCATGACCAGAGGTGAGCT-3'
Protein context (NP_001371941.1, residues 2910-2930): WQACDFKQLY[Ile2920Met]YPGCDAGIRA

ClinVar aggregate classification (germline): Uncertain significance (1 of 4 stars; one submission).

Conditions:
Neurodevelopmental disorder with or without early-onset generalized epilepsy. Identifiers: MedGen C5436914, MONDO:0030930, OMIM 619157.

Allele frequency attached by ClinVar (database versions not stated): gnomAD exomes below 0.00001; ExAC 0.00001; gnomAD 0.00001; TOPMed 0.00002.
gnomAD v4.1: 1 of 1,612,884 alleles (0.000062%); highest among the groups gnomAD compares: African/African-American, 0.0013%; no homozygotes.

Submission:

New York Genome Center
Classification: Uncertain significance for Neurodevelopmental disorder with or without early-onset generalized epilepsy. Last evaluated: 2019-06-02. Review status: criteria provided, single submitter. Criteria: NYGC Assertion Criteria 2020. Collection method: clinical testing. Allele origin: germline. Observed: 1 heterozygote. Study: CSER-NYCKidSeq.
Comment: The c.8697T>G (p.Ile2899Met) variant identified in NBEA substitutes a moderately conserved Isoleucine for Methionine at amino acid 2899/2947 (coding exon 57/58). It is found with low frequency in gnomAD (1 heterozygote, 0 homozygotes; allele frequency: 4.033e-6) and ExAC (1 heterozygote, 0 homozygotes; allele frequency: 8.338e-6), suggesting it is not a common benign variant in the populations represented in these databases. In silico algorithms do not agree on the effect of this variant on the canonical transcript, as it is predicted both Neutral (Provean; score: 0.035) and Damaging (SIFT; score: 0.035). This variant is absent from ClinVar and to our current knowledge has not been reported in affected individuals in the literature. Given the lack of compelling evidence for the pathogenicity of the c.8697T>G (p.Ile2899Met) variant identified is reported here as a Variant of Uncertain Significance.